The following is an entry in ClinVar:

ClinVar aggregate classification (germline): Uncertain significance (1 of 4 stars; one submission).

gnomAD v4.1: 38 of 1,608,996 alleles (0.0024%); highest among the groups gnomAD compares: Admixed American, 0.0067%; no homozygotes.

Submission:

Labcorp Genetics (formerly Invitae), Labcorp
Classification: Uncertain significance. Last evaluated: 2026-01-03. Review status: criteria provided, single submitter. Criteria: Invitae Variant Classification Sherloc (09022015). Collection method: clinical testing. Allele origin: germline.
Comment: This sequence change replaces serine, which is neutral and polar, with leucine, which is neutral and non-polar, at codon 451 of the TELO2 protein (p.Ser451Leu). This variant is present in population databases (rs148873855, gnomAD 0.009%). This variant has not been reported in the literature in individuals affected with TELO2-related conditions. Invitae Evidence Modeling of protein sequence and biophysical properties (such as structural, functional, and spatial information, amino acid conservation, physicochemical variation, residue mobility, and thermodynamic stability) indicates that this missense variant is not expected to disrupt TELO2 protein function with a negative predictive value of 95%. In summary, the available evidence is currently insufficient to determine the role of this variant in disease. Therefore, it has been classified as a Variant of Uncertain Significance.

NM_016111.4(TELO2):c.1352C>T (p.Ser451Leu)

Gene: TELO2 (telomere maintenance 2; plus strand). Cytogenetic location: 16p13.3.
Variant type: single nucleotide variant.
Coding change: c.1352C>T on transcript NM_016111.4 (MANE Select); coding-DNA position 1352, C replaced by T.
Protein change: p.Ser451Leu; replaces serine 451 with leucine.
Molecular consequence: missense variant.
Genome position (GRCh38, 1-based): chr16:1,501,490, C>T. VCF-style: chr16-1501490-C-T. GRCh37 (hg19) VCF-style: chr16-1551491-C-T.
Other names: c.1352C>T, p.Ser451Leu (NM_001351846.2); short protein forms S451L.
Identifiers: ClinVar variation 4754798 (VCV004754798.1).